The following is an entry in ClinVar:

ClinVar aggregate classification (germline): Uncertain significance (1 of 4 stars; one submission).

Conditions:
Arrhythmogenic right ventricular dysplasia 13. Also called: Arrhythmogenic right ventricular dysplasia, familial, 13; ARRHYTHMOGENIC RIGHT VENTRICULAR CARDIOMYOPATHY 13. Identifiers: MedGen C3810138, MONDO:0000908, OMIM 615616.

Submission:

Labcorp Genetics (formerly Invitae), Labcorp
Classification: Uncertain significance for Arrhythmogenic right ventricular dysplasia 13. Last evaluated: 2020-11-02. Review status: criteria provided, single submitter. Criteria: Invitae Variant Classification Sherloc (09022015). Collection method: clinical testing. Allele origin: germline.
Comment: In summary, the available evidence is currently insufficient to determine the role of this variant in disease. Therefore, it has been classified as a Variant of Uncertain Significance. This variant has not been reported in the literature in individuals with CTNNA3-related conditions. This variant is not present in population databases (ExAC no frequency). This sequence change creates a premature translational stop signal (p.Gln260*) in the CTNNA3 gene. It is expected to result in an absent or disrupted protein product. However, the current clinical and genetic evidence is not sufficient to establish whether loss-of-function variants in CTNNA3 cause disease.

NM_013266.4(CTNNA3):c.778C>T (p.Gln260Ter)

Gene: CTNNA3 (catenin alpha 3; minus strand). Cytogenetic location: 10q21.3.
Variant type: single nucleotide variant.
Coding change: c.778C>T on transcript NM_013266.4 (MANE Select); coding-DNA position 778, C replaced by T.
Protein change: p.Gln260Ter; replaces glutamine 260 with a stop codon.
Molecular consequence: nonsense.
Genome position (GRCh38, 1-based): chr10:67,219,672, G>A on the plus strand (C>T on the coding strand, the complement: CTNNA3 is on the minus strand). VCF-style: chr10-67219672-G-A. GRCh37 (hg19) VCF-style: chr10-68979430-G-A.
Other names: c.778C>T, p.Gln260Ter (NM_001127384.3); c.814C>T, p.Gln272Ter (NM_001291133.2); short protein forms Q260*, Q272*.
Identifiers: ClinVar variation 1386285 (VCV001386285.6), dbSNP rs2132264877, ClinGen allele CA377097274.